The following is an entry in ClinVar:

NM_033004.4(NLRP1):c.1014T>G (p.Ile338Met)

Gene: NLRP1 (NLR family pyrin domain containing 1; minus strand). Cytogenetic location: 17p13.2.
Variant type: single nucleotide variant.
Coding change: c.1014T>G on transcript NM_033004.4 (MANE Select); coding-DNA position 1014, T replaced by G.
Protein change: p.Ile338Met; replaces isoleucine 338 with methionine.
Molecular consequence: missense variant.
Genome position (GRCh38, 1-based): chr17:5,559,682, A>C on the plus strand (T>G on the coding strand, the complement: NLRP1 is on the minus strand). VCF-style: chr17-5559682-A-C. GRCh37 (hg19) VCF-style: chr17-5463002-A-C.
Other names: c.1014T>G, p.Ile338Met (NM_001033053.3, NM_014922.5, NM_033006.4 and 1 more transcripts); short protein forms I338M.
Identifiers: ClinVar variation 2053884 (VCV002053884.4), dbSNP rs2507941492, ClinGen allele CA397387291.

ClinVar aggregate classification (germline): Uncertain significance (1 of 4 stars; one submission).

Submission:

Labcorp Genetics (formerly Invitae), Labcorp
Classification: Uncertain significance. Last evaluated: 2023-12-11. Review status: criteria provided, single submitter. Criteria: Invitae Variant Classification Sherloc (09022015). Collection method: clinical testing. Allele origin: germline.
Comment: This sequence change replaces isoleucine, which is neutral and non-polar, with methionine, which is neutral and non-polar, at codon 338 of the NLRP1 protein (p.Ile338Met). This variant is not present in population databases (gnomAD no frequency). This variant has not been reported in the literature in individuals affected with NLRP1-related conditions. ClinVar contains an entry for this variant (Variation ID: 2053884). An algorithm developed to predict the effect of missense changes on protein structure and function (PolyPhen-2) suggests that this variant is likely to be disruptive. In summary, the available evidence is currently insufficient to determine the role of this variant in disease. Therefore, it has been classified as a Variant of Uncertain Significance.